The following is an entry in ClinVar:

NM_138694.4(PKHD1):c.9998G>C (p.Arg3333Thr)

Gene: PKHD1 (PKHD1 ciliary IPT domain containing fibrocystin/polyductin; minus strand). Cytogenetic location: 6p12.3.
Variant type: single nucleotide variant.
Coding change: c.9998G>C on transcript NM_138694.4 (MANE Select); coding-DNA position 9998, G replaced by C.
Protein change: p.Arg3333Thr; replaces arginine 3333 with threonine.
Molecular consequence: missense variant.
Genome position (GRCh38, 1-based): chr6:51,746,721, C>G on the plus strand (G>C on the coding strand, the complement: PKHD1 is on the minus strand). VCF-style: chr6-51746721-C-G. GRCh37 (hg19) VCF-style: chr6-51611519-C-G.
Other names: c.9998G>C, p.Arg3333Thr (NM_170724.3); short protein forms R3333T.
Identifiers: ClinVar variation 633353 (VCV000633353.18), dbSNP rs1057524563, ClinGen allele CA364419182.

ClinVar aggregate classification (germline): Conflicting classifications of pathogenicity. Review status: criteria provided, conflicting classifications (1 of 4 stars). 6 submissions from 6 submitters: Pathogenic (1); Likely pathogenic (4); Uncertain significance (1). Last evaluated 2026-01-08.

Conditions:
PKHD1-related disorder. Also called: PKHD1-related condition.
Polycystic kidney disease 4 (PKD4). Also called: POLYCYSTIC KIDNEY DISEASE 4 WITH OR WITHOUT POLYCYSTIC LIVER DISEASE; Autosomal Recessive Polycystic Kidney Disease – PKHD1; POLYCYSTIC KIDNEY AND HEPATIC DISEASE 1; POLYCYSTIC KIDNEY DISEASE, INFANTILE, TYPE I; PKD3. Identifiers: MedGen C4540575, MONDO:0033004, OMIM 263200.
Autosomal recessive polycystic kidney disease (ARPKD). Also called: AR polycystic kidney disease. Identifiers: Orphanet 731, Orphanet 8378, MedGen C0085548, MeSH D017044, MONDO:0009889.

Allele frequency attached by ClinVar (database versions not stated): gnomAD 0.00001; TOPMed 0.00001.
gnomAD v4.1: 5 of 1,579,240 alleles (0.00032%); highest among the groups gnomAD compares: Non-Finnish European, 0.00035%; no homozygotes.

Submissions (6):

Myriad Genetics, Inc.
Classification: Uncertain significance for Polycystic kidney disease 4. Last evaluated: 2026-01-08. Review status: criteria provided, single submitter. Criteria: Myriad Autosomal Dominant, Autosomal Recessive and X-Linked Classification Criteria (2023). Collection method: clinical testing. Allele origin: unknown.
Comment: NM_138694.3(PKHD1):c.9998G>C(R3333T) is a missense variant classified as a variant of uncertain significance in the context of autosomal recessive polycystic kidney disease, PKHD1-related. R3333T has been observed in a case with relevant disease (PMID: 15805161). Relevant functional assessments of this variant are not available in the literature. R3333T has been observed in referenced population frequency databases. In summary, there is insufficient evidence to classify NM_138694.3(PKHD1):c.9998G>C(R3333T) as pathogenic or benign. Please note: this variant was assessed in the context of healthy population screening.

PreventionGenetics, part of Exact Sciences
Classification: Likely pathogenic for PKHD1-related condition. Last evaluated: 2025-08-21. Review status: criteria provided, single submitter. Criteria: ACMG Guidelines, 2015. Collection method: clinical testing. Allele origin: germline.
Comment: The PKHD1 c.9998G>C variant is predicted to result in the amino acid substitution p.Arg3333Thr. This variant was reported with a pathogenic canonical splice variant in a fetus with autosomal recessive polycystic kidney disease (ARPKD) (Sharp et al. 2005. PubMed ID: 15805161). Of note, this change occurs at the last base of exon 59 and is predicted to result in splice donor site signal loss (Alamut Visual Plus v1.6.1; SpliceAI, Jaganathan et al. 2019. PubMed ID: 30661751). This variant is interpreted as likely pathogenic or pathogenic by other clinical laboratories in ClinVar. This variant is reported in 0.00088% of alleles in individuals of European (Non-Finnish) descent in gnomAD. This variant is interpreted as likely pathogenic.

Blueprint Genetics
Classification: Likely pathogenic for PKHD1-related disorders. Last evaluated: 2024-09-04. Review status: criteria provided, single submitter. Criteria: ACMG Guidelines, 2015. Collection method: clinical testing. Allele origin: germline. Affected: yes. Observed: 5 variant alleles.

Labcorp Genetics (formerly Invitae), Labcorp
Classification: Pathogenic for Autosomal recessive polycystic kidney disease. Last evaluated: 2024-01-29. Review status: criteria provided, single submitter. Criteria: Invitae Variant Classification Sherloc (09022015). Collection method: clinical testing. Allele origin: germline.
Comment: This sequence change replaces arginine, which is basic and polar, with threonine, which is neutral and polar, at codon 3333 of the PKHD1 protein (p.Arg3333Thr). This variant also falls at the last nucleotide of exon 59, which is part of the consensus splice site for this exon. This variant is present in population databases (no rsID available, gnomAD 0.0009%). This missense change has been observed in individual(s) with clinical features of polycystic kidney disease and/or PKHD1-related conditions (PMID: 15805161; Invitae). In at least one individual the data is consistent with being in trans (on the opposite chromosome) from a pathogenic variant. ClinVar contains an entry for this variant (Variation ID: 633353). An algorithm developed to predict the effect of missense changes on protein structure and function (PolyPhen-2) suggests that this variant is likely to be disruptive. Variants that disrupt the consensus splice site are a relatively common cause of aberrant splicing (PMID: 17576681, 9536098). Algorithms developed to predict the effect of sequence changes on RNA splicing suggest that this variant may disrupt the consensus splice site. For these reasons, this variant has been classified as Pathogenic.

GeneDx
Classification: Likely pathogenic. Last evaluated: 2022-06-13. Review status: criteria provided, single submitter. Criteria: GeneDx Variant Classification Process June 2021. Collection method: clinical testing. Allele origin: germline. Affected: yes.
Comment: Alters the last nucleotide of the exon and is predicted to destroy the splice donor site and result in aberrant splicing; Not observed at significant frequency in large population cohorts (gnomAD); In silico analysis supports that this missense variant has a deleterious effect on protein structure/function; Reported with a second variant (phase unknown) in a patient with autosomal recessive polycystic kidney disease in published literature (Sharp et al., 2005); This variant is associated with the following publications: (PMID: 15805161)

Women's Health and Genetics/Laboratory Corporation of America, LabCorp
Classification: Likely pathogenic for Autosomal recessive polycystic kidney disease. Last evaluated: 2020-07-31. Review status: criteria provided, single submitter. Criteria: LabCorp Variant Classification Summary - May 2015. Collection method: clinical testing. Allele origin: germline.
Comment: Variant summary: PKHD1 c.9998G>C (p.Arg3333Thr) results in a non-conservative amino acid change in the encoded protein sequence. The variant involves the alteration of the last nucleotide of exon 59 at an exon/intron boundary. Three of five in-silico tools predict a damaging effect of the variant on protein function. Several computational tools predict a significant impact on normal splicing: Three predict the variant abolishes a 5' splicing donor site. However, these predictions have yet to be confirmed by functional studies. The variant allele was found at a frequency of 4e-06 in 250686 control chromosomes (gnomAD and publication). c.9998G>C has been reported in the literature in the compound heterozygous state in an affected individual with fetal presentation of Polycystic Kidney And Hepatic Disease (Sharp_2005). To our knowledge, no experimental evidence demonstrating an impact on protein function has been reported. A ClinVar submitter (evaluation after 2014) cites the variant as likely pathogenic. Based on the evidence outlined above, the variant was classified as likely pathogenic.

Literature cited by the submitters: PubMed 15805161 (cited by 3 submitters); PubMed 17576681 (cited by Labcorp Genetics (formerly Invitae), Labcorp); PubMed 9536098 (cited by Labcorp Genetics (formerly Invitae), Labcorp).